The following is an entry in ClinVar:

ClinVar aggregate classification (germline): Uncertain significance (1 of 4 stars; one submission).

Submission:

GeneDx
Classification: Uncertain significance. Last evaluated: 2024-04-29. Review status: criteria provided, single submitter. Criteria: GeneDx Variant Classification Process June 2021. Collection method: clinical testing. Allele origin: germline. Affected: yes.
Comment: Not observed at significant frequency in large population cohorts (gnomAD); In silico analysis indicates that this missense variant does not alter protein structure/function; Has not been previously published as pathogenic or benign to our knowledge; In silico analysis suggests this variant may impact gene splicing. In the absence of RNA/functional studies, the actual effect of this sequence change is unknown.

NM_018896.5(CACNA1G):c.6548G>C (p.Ser2183Thr)

Gene: CACNA1G (calcium voltage-gated channel subunit alpha1 G; plus strand). Cytogenetic location: 17q21.33.
Variant type: single nucleotide variant.
Coding change: c.6548G>C on transcript NM_018896.5 (MANE Select); coding-DNA position 6548, G replaced by C.
Protein change: p.Ser2183Thr; replaces serine 2183 with threonine.
Molecular consequence: missense variant. On other transcripts: non-coding transcript variant (5), intron variant (3).
Genome position (GRCh38, 1-based): chr17:50,626,165, G>C. VCF-style: chr17-50626165-G-C. GRCh37 (hg19) VCF-style: chr17-48703526-G-C.
Other names: c.6359G>C, p.Ser2120Thr (NM_001256324.2); c.6290G>C, p.Ser2097Thr (NM_001256325.2); c.6278G>C, p.Ser2093Thr (NM_001256326.2); c.6248G>C, p.Ser2083Thr (NM_001256327.2); c.6194G>C, p.Ser2065Thr (NM_001256328.2); c.6167G>C, p.Ser2056Thr (NM_001256329.2, NM_198387.3); c.6134G>C, p.Ser2045Thr (NM_001256330.2); c.6113G>C, p.Ser2038Thr (NM_001256331.2); and 18 more; short protein forms S2033T, S2038T, S2045T, S2049T, S2052T, S2054T, S2056T, S2063T.
Identifiers: ClinVar variation 3373216 (VCV003373216.1).
Genomic context (GRCh38, chr17:50,626,165, plus strand): 5'-TGGCCCGGGCCTACTCTTTCTGGGGCCAGTCAAGTACCCAGGCACAGCAGCACTCCCGCA[G>C]CCACAGCAAGATCTCCAAGCACATGACCCCGCCAGCCCCTTGCCCAGGCCCAGAACCCAA-3'
Protein context (NP_061496.2, residues 2173-2193): SSTQAQQHSR[Ser2183Thr]HSKISKHMTP